The following is an entry in ClinVar:

NM_001283009.2(RTEL1):c.2479G>A (p.Ala827Thr)

Genes: RTEL1 (regulator of telomere elongation helicase 1; plus strand), RTEL1-TNFRSF6B (RTEL1-TNFRSF6B readthrough (NMD candidate); plus strand). Cytogenetic location: 20q13.33.
Variant type: single nucleotide variant.
Coding change: c.2479G>A on transcript NM_001283009.2 (MANE Select); coding-DNA position 2479, G replaced by A.
Protein change: p.Ala827Thr; replaces alanine 827 with threonine.
Molecular consequence: missense variant. On other transcripts: non-coding transcript variant (1).
Genome position (GRCh38, 1-based): chr20:63,690,870, G>A. VCF-style: chr20-63690870-G-A. GRCh37 (hg19) VCF-style: chr20-62322223-G-A.
Other names: c.1810G>A, p.Ala604Thr (NM_001283010.1); c.2479G>A, p.Ala827Thr (NM_016434.4); c.2551G>A, p.Ala851Thr (NM_032957.5); short protein forms A604T, A827T, A851T.
Identifiers: ClinVar variation 4157725 (VCV004157725.1).

ClinVar aggregate classification (germline): Uncertain significance (1 of 4 stars; one submission).

Conditions:
Inborn genetic diseases. Identifiers: MedGen C0950123, MeSH D030342.

Submission:

Ambry Genetics
Classification: Uncertain significance for Inborn genetic diseases. Last evaluated: 2025-09-07. Review status: criteria provided, single submitter. Criteria: Ambry Variant Classification Scheme 2023. Collection method: clinical testing. Allele origin: germline.
Comment: The p.A827T variant (also known as c.2479G>A), located in coding exon 26 of the RTEL1 gene, results from a G to A substitution at nucleotide position 2479. The alanine at codon 827 is replaced by threonine, an amino acid with similar properties. This amino acid position is conserved. In addition, this alteration is predicted to be tolerated by in silico analysis. Based on the available evidence, the clinical significance of this variant remains unclear.